The following is an entry in ClinVar:

ClinVar aggregate classification (germline): Uncertain significance. Review status: criteria provided, multiple submitters, no conflicts (2 of 4 stars). 3 submissions from 3 submitters: Uncertain significance (3). Last evaluated 2024-12-11.

Conditions:
Inborn genetic diseases. Identifiers: MedGen C0950123, MeSH D030342.

Allele frequency attached by ClinVar (database versions not stated): gnomAD 0.00002; gnomAD exomes 0.00001; TOPMed 0.00002.

Submissions (3):

Ambry Genetics
Classification: Uncertain significance for Inborn genetic diseases. Last evaluated: 2024-12-11. Review status: criteria provided, single submitter. Criteria: Ambry Variant Classification Scheme 2023. Collection method: clinical testing. Allele origin: germline.

GeneDx
Classification: Uncertain significance. Last evaluated: 2022-01-27. Review status: criteria provided, single submitter. Criteria: GeneDx Variant Classification Process June 2021. Collection method: clinical testing. Allele origin: germline. Affected: yes.
Comment: In silico analysis supports that this missense variant does not alter protein structure/function; Has not been previously published as pathogenic or benign to our knowledge

Labcorp Genetics (formerly Invitae), Labcorp
Classification: Uncertain significance. Last evaluated: 2021-10-20. Review status: criteria provided, single submitter. Criteria: Invitae Variant Classification Sherloc (09022015). Collection method: clinical testing. Allele origin: germline.
Comment: This sequence change replaces arginine, which is basic and polar, with glutamine, which is neutral and polar, at codon 577 of the FKBP10 protein (p.Arg577Gln). This variant is present in population databases (rs782375420, gnomAD 0.01%). This variant has not been reported in the literature in individuals affected with FKBP10-related conditions. Algorithms developed to predict the effect of missense changes on protein structure and function (SIFT, PolyPhen-2, Align-GVGD) all suggest that this variant is likely to be tolerated. In summary, the available evidence is currently insufficient to determine the role of this variant in disease. Therefore, it has been classified as a Variant of Uncertain Significance.

NM_021939.4(FKBP10):c.1730G>A (p.Arg577Gln)

Gene: FKBP10 (FKBP prolyl isomerase 10; plus strand). Cytogenetic location: 17q21.2.
Variant type: single nucleotide variant.
Coding change: c.1730G>A on transcript NM_021939.4 (MANE Select); coding-DNA position 1730, G replaced by A.
Protein change: p.Arg577Gln; replaces arginine 577 with glutamine.
Molecular consequence: missense variant.
Genome position (GRCh38, 1-based): chr17:41,822,389, G>A. VCF-style: chr17-41822389-G-A. GRCh37 (hg19) VCF-style: chr17-39978641-G-A.
Other names: short protein forms R577Q.
Identifiers: ClinVar variation 1437696 (VCV001437696.6), dbSNP rs782375420, ClinGen allele CA8566732.